The following is an entry in ClinVar:

NM_000179.3(MSH6):c.1806A>C (p.Ser602=)

Gene: MSH6 (mutS homolog 6; plus strand). Cytogenetic location: 2p16.3.
Variant type: single nucleotide variant.
Coding change: c.1806A>C on transcript NM_000179.3 (MANE Select); coding-DNA position 1806, A replaced by C.
Protein change: p.Ser602=; no amino-acid change (serine 602 retained).
Molecular consequence: synonymous variant.
Genome position (GRCh38, 1-based): chr2:47,799,789, A>C. VCF-style: chr2-47799789-A-C. GRCh37 (hg19) VCF-style: chr2-48026928-A-C.
Other names: c.1416A>C, p.Ser472= (NM_001281492.2); c.900A>C, p.Ser300= (NM_001281493.2, NM_001281494.2).
Identifiers: ClinVar variation 381229 (VCV000381229.15), dbSNP rs1057520981, ClinGen allele CA16604182.

ClinVar aggregate classification (germline): Benign/Likely benign. Review status: criteria provided, multiple submitters, no conflicts (2 of 4 stars). 5 submissions from 5 submitters: Benign (1); Likely benign (4). Last evaluated 2025-04-13.

Conditions:
Hereditary cancer-predisposing syndrome. Also called: Tumor predisposition; Hereditary neoplastic syndrome; Neoplastic Syndromes, Hereditary; Hereditary Cancer Syndrome. Identifiers: Orphanet 140162, MedGen C0027672, MeSH D009386, MONDO:0015356.
Hereditary nonpolyposis colorectal neoplasms. Identifiers: MedGen C0009405, MeSH D003123.
Breast and/or ovarian cancer. Identifiers: MedGen CN221562.
Lynch syndrome 5 (LYNCH5). Also called: Colorectal cancer, hereditary nonpolyposis, type 5; Hereditary non-polyposis colorectal cancer, type 5. Identifiers: Orphanet 144, MedGen C1833477, MONDO:0013710, OMIM 614350. Disease mechanism: loss of function.

Allele frequency attached by ClinVar (database versions not stated): gnomAD exomes below 0.00001.
gnomAD v4.1: 1 of 1,614,204 alleles (0.000062%); highest among the groups gnomAD compares: Non-Finnish European, 0.000085%; no homozygotes.

Submissions (5):

Labcorp Genetics (formerly Invitae), Labcorp
Classification: Likely benign for Hereditary nonpolyposis colorectal neoplasms. Last evaluated: 2025-04-13. Review status: criteria provided, single submitter. Criteria: Invitae Variant Classification Sherloc (09022015). Collection method: clinical testing. Allele origin: germline.

Myriad Genetics, Inc.
Classification: Benign for Lynch syndrome 5. Last evaluated: 2024-12-27. Review status: criteria provided, single submitter. Criteria: Myriad Autosomal Dominant, Autosomal Recessive and X-Linked Classification Criteria (2023). Collection method: clinical testing. Allele origin: unknown.
Comment: This variant is considered benign. This variant is a silent/synonymous amino acid change and it is not expected to impact splicing.

CHEO Genetics Diagnostic Laboratory, Children's Hospital of Eastern Ontario
Classification: Likely benign for Breast and/or ovarian cancer. Last evaluated: 2023-05-19. Review status: criteria provided, single submitter. Criteria: ACMG Guidelines, 2015. Collection method: clinical testing. Allele origin: germline.

GeneDx
Classification: Likely benign. Last evaluated: 2016-10-21. Review status: criteria provided, single submitter. Criteria: GeneDx Variant Classification (06012015). Collection method: clinical testing. Allele origin: germline. Affected: yes.
Comment: This variant is considered likely benign or benign based on one or more of the following criteria: it is a conservative change, it occurs at a poorly conserved position in the protein, it is predicted to be benign by multiple in silico algorithms, and/or has population frequency not consistent with disease.

Ambry Genetics
Classification: Likely benign for Hereditary cancer-predisposing syndrome. Last evaluated: 2015-12-05. Review status: criteria provided, single submitter. Criteria: Ambry Variant Classification Scheme 2023. Collection method: clinical testing. Allele origin: germline.